The following is an entry in ClinVar:

ClinVar aggregate classification (germline): Conflicting classifications of pathogenicity. Review status: criteria provided, conflicting classifications (1 of 4 stars). 3 submissions from 3 submitters: Uncertain significance (1); Benign (1); Likely benign (1). Last evaluated 2026-02-04.

Conditions:
Polyglandular autoimmune syndrome, type 1 (APS1). Also called: APS I; Autoimmune polyendocrine syndrome type 1; Whitaker syndrome; Autoimmune polyendocrinopathy syndrome , type I, with or without reversible metaphyseal dysplasia; AUTOIMMUNE POLYENDOCRINE SYNDROME, TYPE I, WITH OR WITHOUT REVERSIBLE METAPHYSEAL DYSPLASIA; HYPOADRENOCORTICISM WITH HYPOPARATHYROIDISM AND SUPERFICIAL MONILIASIS. Identifiers: Orphanet 3453, MedGen C0085859, MONDO:0009411, OMIM 240300.

Allele frequency attached by ClinVar (database versions not stated): gnomAD exomes 0.01215 and 0.00750; gnomAD 0.00825 and 0.00839; ESP Exome Variant Server 0.00863; 1000 Genomes Project 0.00319; 1000 Genomes Project 30x 0.00375; ExAC 0.00744; TOPMed 0.00815.
gnomAD v4.1: 18,624 of 1,595,882 alleles (1.2%); highest among the groups gnomAD compares: Non-Finnish European, 1.4%; 143 homozygotes.

Submissions (3):

Labcorp Genetics (formerly Invitae), Labcorp
Classification: Benign for Polyglandular autoimmune syndrome, type 1. Last evaluated: 2026-02-04. Review status: criteria provided, single submitter. Criteria: Invitae Variant Classification Sherloc (09022015). Collection method: clinical testing. Allele origin: germline.

Blueprint Genetics
Classification: Likely benign. Last evaluated: 2024-11-28. Review status: criteria provided, single submitter. Criteria: ACMG Guidelines, 2015. Collection method: clinical testing. Allele origin: germline.

Women's Health and Genetics/Laboratory Corporation of America, LabCorp
Classification: Uncertain significance for Autoimmune Polyglandular Syndrome Type 1. Last evaluated: 2011-08-18. Review status: criteria provided, single submitter. Criteria: LabCorp Variant Classification Summary - May 2015. Collection method: curation, clinical testing. Allele origin: germline. Inheritance: autosomal unknown. Affected: yes.
ClinVar note: Converted during submission from uncertain to Uncertain significance.

NM_000383.4(AIRE):c.1279-18C>T

Gene: AIRE (autoimmune regulator; plus strand). Cytogenetic location: 21q22.3.
Variant type: single nucleotide variant.
Coding change: c.1279-18C>T on transcript NM_000383.4 (MANE Select); 18 bases into the intron before coding-DNA position 1279, C replaced by T.
Molecular consequence: intron variant.
Genome position (GRCh38, 1-based): chr21:44,293,771, C>T. VCF-style: chr21-44293771-C-T. GRCh37 (hg19) VCF-style: chr21-45713654-C-T.
Identifiers: ClinVar variation 35658 (VCV000035658.13), dbSNP rs72650678, ClinGen allele CA213490.
Genomic context (GRCh38, chr21:44,293,771, plus strand): 5'-AGCGCACAGGGCTCGGGTTCGGGTTCAGCTACATTTCCCCCGGCCCCCCGCGTCACCCCG[C>T]GCTGTTGCCTCCCACAGAACCTGGCTCCTGGTGCGCGTTGCGGGGTGTGCGGAGATGGTA-3'